The following is an entry in ClinVar:

ClinVar aggregate classification (germline): Uncertain significance (1 of 4 stars; one submission).

Conditions:
Deficiency of acetyl-CoA acetyltransferase. Also called: MITOCHONDRIAL ACETOACETYL-CoA THIOLASE DEFICIENCY; 3-KETOTHIOLASE DEFICIENCY; 3-OXOTHIOLASE DEFICIENCY; Beta-ketothiolase deficiency. Identifiers: Orphanet 134, MedGen C1536500, MONDO:0008760, OMIM 203750. Disease mechanism: loss of function.

Submission:

3billion
Classification: Uncertain significance for Deficiency of acetyl-CoA acetyltransferase. Last evaluated: 2024-08-22. Review status: criteria provided, single submitter. Criteria: ACMG Guidelines, 2015. Collection method: clinical testing. Allele origin: germline. Affected: yes.
Comment: The variant is not observed in the gnomAD v4.0.0 dataset. Predicted Consequence/Location: The majority of the known disease-causing variants of this gene are variants expected to result in premature termination of the protein. In silico tool predictions suggest damaging effect of the variant on gene or gene product [REVEL: 0.84 (>=0.6, sensitivity 0.68 and specificity 0.92); 3Cnet: 0.75 (>=0.6, sensitivity 0.72 and precision 0.9)]. A different missense change at the same codon (p.Ser222Arg) has been reported to be associated with ACAT1 related disorder (PMID: 30026775). However the evidence of pathogenicity is insufficient at this time. Therefore, this variant is classified as VUS according to the recommendation of ACMG/AMP guideline.

Literature cited by the submitters: PubMed 30026775.

NM_000019.4(ACAT1):c.664A>G (p.Ser222Gly)

Gene: ACAT1 (acetyl-CoA acetyltransferase 1; plus strand). Cytogenetic location: 11q22.3.
Variant type: single nucleotide variant.
Coding change: c.664A>G on transcript NM_000019.4 (MANE Select); coding-DNA position 664, A replaced by G.
Protein change: p.Ser222Gly; replaces serine 222 with glycine.
Molecular consequence: missense variant. On other transcripts: non-coding transcript variant (2).
Genome position (GRCh38, 1-based): chr11:108,140,149, A>G. VCF-style: chr11-108140149-A-G. GRCh37 (hg19) VCF-style: chr11-108010876-A-G.
Other names: c.664A>G, p.Ser222Gly (NM_001386677.1); c.349A>G, p.Ser117Gly (NM_001386678.1); c.367A>G, p.Ser123Gly (NM_001386679.1); c.394A>G, p.Ser132Gly (NM_001386681.1, NM_001386682.1, NM_001386685.1 and 6 more transcripts); short protein forms S117G, S123G, S132G, S222G.
Identifiers: ClinVar variation 4292887 (VCV004292887.1).